The following is an entry in ClinVar:

ClinVar aggregate classification (germline): Uncertain significance (1 of 4 stars; one submission).

Conditions:
Dilated cardiomyopathy 1O (CMD1O). Also called: CARDIOMYOPATHY, DILATED, WITH VENTRICULAR TACHYCARDIA. Identifiers: Orphanet 154, MedGen C1837839, MONDO:0012062, OMIM 608569.

Allele frequency attached by ClinVar (database versions not stated): gnomAD exomes below 0.00001.
gnomAD v4.1: 1 of 1,613,626 alleles (0.000062%); highest among the groups gnomAD compares: Non-Finnish European, 0.000085%; no homozygotes.

Submission:

Labcorp Genetics (formerly Invitae), Labcorp
Classification: Uncertain significance for Dilated cardiomyopathy 1O. Last evaluated: 2020-08-27. Review status: criteria provided, single submitter. Criteria: Invitae Variant Classification Sherloc (09022015). Collection method: clinical testing. Allele origin: germline.
Comment: This variant has not been reported in the literature in individuals with ABCC9-related conditions. Algorithms developed to predict the effect of missense changes on protein structure and function (SIFT, PolyPhen-2, Align-GVGD) all suggest that this variant is likely to be tolerated, but these predictions have not been confirmed by published functional studies and their clinical significance is uncertain. In summary, the available evidence is currently insufficient to determine the role of this variant in disease. Therefore, it has been classified as a Variant of Uncertain Significance. This variant is not present in population databases (ExAC no frequency). This sequence change replaces alanine with valine at codon 550 of the ABCC9 protein (p.Ala550Val). The alanine residue is moderately conserved and there is a small physicochemical difference between alanine and valine.

NM_020297.4(ABCC9):c.1649C>T (p.Ala550Val)

Gene: ABCC9 (ATP binding cassette subfamily C member 9; minus strand). Cytogenetic location: 12p12.1.
Variant type: single nucleotide variant.
Coding change: c.1649C>T on transcript NM_020297.4 (MANE Select); coding-DNA position 1649, C replaced by T.
Protein change: p.Ala550Val; replaces alanine 550 with valine.
Molecular consequence: missense variant.
Genome position (GRCh38, 1-based): chr12:21,895,285, G>A on the plus strand (C>T on the coding strand, the complement: ABCC9 is on the minus strand). VCF-style: chr12-21895285-G-A. GRCh37 (hg19) VCF-style: chr12-22048219-G-A.
Other names: c.1649C>T, p.Ala550Val (NM_001377273.1, NM_005691.4); c.785C>T, p.Ala262Val (NM_001377274.1); short protein forms A262V, A550V.
Identifiers: ClinVar variation 1054152 (VCV001054152.9), dbSNP rs1476117427, ClinGen allele CA384137697.